The following is an entry in ClinVar:

NM_000090.4(COL3A1):c.3094-10_3094delinsGT

Gene: COL3A1 (collagen type III alpha 1 chain; plus strand). Cytogenetic location: 2q32.2.
Variant type: Indel.
Coding change: c.3094-10_3094delinsGT on transcript NM_000090.4 (MANE Select); 10 bases into the intron before coding-DNA position 3094 through coding-DNA position 3094, TTGTTCACAGG replaced by GT.
Molecular consequence: splice acceptor variant.
Genome position (GRCh38, 1-based): chr2:189,006,335-189,006,345, TTGTTCACAGG replaced by GT. VCF-style: chr2-189006335-TTGTTCACAGG-GT. GRCh37 (hg19) VCF-style: chr2-189871061-TTGTTCACAGG-GT.
Identifiers: ClinVar variation 579843 (VCV000579843.1), dbSNP rs1559061674, ClinGen allele CA891842764.

ClinVar aggregate classification (germline): Likely pathogenic (1 of 4 stars; one submission).

Conditions:
Ehlers-Danlos syndrome, type 4 (EDSVASC). Also called: Ehlers-Danlos syndrome vascular type; Ehlers Danlos syndrome, ecchymotic type; Ehlers Danlos syndrome, arterial type; Ehlers Danlos syndrome, Sack-Barabas type; Ehlers-Danlos Syndrome Type IV. Identifiers: Orphanet 286, MedGen C0268338, MONDO:0017314, OMIM 130050.

Submission:

Labcorp Genetics (formerly Invitae), Labcorp
Classification: Likely pathogenic for Ehlers-Danlos syndrome, type 4. Last evaluated: 2018-07-02. Review status: criteria provided, single submitter. Criteria: Invitae Variant Classification Sherloc (09022015). Collection method: clinical testing. Allele origin: germline.
Comment: This sequence is a deletion of the first nucleotide in exon 43 and the intron 42 boundary and the insertion of 2 nucleotides (c.3094-10_3094delinsGT). It is expected to disrupt RNA splicing and likely results in an absent or disrupted protein product This variant is not present in population databases (ExAC no frequency). This variant has not been reported in the literature in individuals with COL3A1-related disease. Algorithms developed to predict the effect of sequence changes on RNA splicing suggest that this variant may disrupt the consensus splice site, but this prediction has not been confirmed by published transcriptional studies. Donor and acceptor splice site variants typically lead to a loss of protein function (PMID: 16199547), and loss-of-function variants in COL3A1 are known to be pathogenic (PMID: 24922459). In summary, the currently available evidence indicates that the variant is pathogenic, but additional data are needed to prove that conclusively. Therefore, this variant has been classified as Likely Pathogenic.

Literature cited by the submitters: PubMed 24922459.